The following is an entry in ClinVar:

NM_173477.5(USH1G):c.983G>T (p.Gly328Val)

Gene: USH1G (USH1 protein network component sans; minus strand). Cytogenetic location: 17q25.1.
Variant type: single nucleotide variant.
Coding change: c.983G>T on transcript NM_173477.5 (MANE Select); coding-DNA position 983, G replaced by T.
Protein change: p.Gly328Val; replaces glycine 328 with valine.
Molecular consequence: missense variant.
Genome position (GRCh38, 1-based): chr17:74,919,853, C>A on the plus strand (G>T on the coding strand, the complement: USH1G is on the minus strand). VCF-style: chr17-74919853-C-A. GRCh37 (hg19) VCF-style: chr17-72915948-C-A.
Other names: c.674G>T, p.Gly225Val (NM_001282489.3); short protein forms G225V, G328V.
Identifiers: ClinVar variation 1160780 (VCV001160780.14), dbSNP rs137871047, ClinGen allele CA8753956.

ClinVar aggregate classification (germline): Benign/Likely benign. Review status: criteria provided, multiple submitters, no conflicts (2 of 4 stars). 5 submissions from 5 submitters: Benign (1); Likely benign (4). Last evaluated 2026-01-20.

Conditions:
USH1G-related disorder. Also called: USH1G-related condition; USH1G-related disorders.

Allele frequency attached by ClinVar (database versions not stated): gnomAD exomes 0.00015; ExAC 0.00027; gnomAD 0.00080 and 0.00083; TOPMed 0.00085; 1000 Genomes Project 0.00100; 1000 Genomes Project 30x 0.00109; ESP Exome Variant Server 0.00115.

Submissions (5):

Labcorp Genetics (formerly Invitae), Labcorp
Classification: Likely benign. Last evaluated: 2026-01-20. Review status: criteria provided, single submitter. Criteria: Invitae Variant Classification Sherloc (09022015). Collection method: clinical testing. Allele origin: germline.

PreventionGenetics, part of Exact Sciences
Classification: Likely benign for USH1G-related condition. Last evaluated: 2025-01-03. Review status: criteria provided, single submitter. Criteria: ACMG Guidelines, 2015. Collection method: clinical testing. Allele origin: germline.
Comment: This variant is classified as likely benign based on ACMG/AMP sequence variant interpretation guidelines (Richards et al. 2015 PMID: 25741868, with internal and published modifications).

Blueprint Genetics
Classification: Benign. Last evaluated: 2022-12-23. Review status: criteria provided, single submitter. Criteria: ACMG Guidelines, 2015. Collection method: clinical testing. Allele origin: germline.

Women's Health and Genetics/Laboratory Corporation of America, LabCorp
Classification: Likely benign. Last evaluated: 2022-05-11. Review status: criteria provided, single submitter. Criteria: LabCorp Variant Classification Summary - May 2015. Collection method: clinical testing. Allele origin: germline.
Comment: Variant summary: USH1G c.983G>T (p.Gly328Val) results in a non-conservative amino acid change in the encoded protein sequence. Three of five in-silico tools predict a benign effect of the variant on protein function. The variant allele was found at a frequency of 0.00015 in 250396 control chromosomes, predominantly at a frequency of 0.0023 within the African or African-American subpopulation in the gnomAD database. The observed variant frequency within African or African-American control individuals in the gnomAD database is approximately 1.6 fold of the estimated maximal expected allele frequency for a pathogenic variant in USH1G causing Usher Syndrome phenotype (0.0014), strongly suggesting that the variant is a benign polymorphism found primarily in populations of African or African-American origin. To our knowledge, no occurrence of c.983G>T in individuals affected with Usher Syndrome and no experimental evidence demonstrating its impact on protein function have been reported. Two clinical diagnostic laboratories have submitted clinical-significance assessments for this variant to ClinVar after 2014 without evidence for independent evaluation. All laboratories classified the variant as likely benign. Based on the evidence outlined above, the variant was classified as likely benign.

GeneDx
Classification: Likely benign. Last evaluated: 2021-05-07. Review status: criteria provided, single submitter. Criteria: GeneDx Variant Classification Process June 2021. Collection method: clinical testing. Allele origin: germline. Affected: yes.